The following is an entry in ClinVar:

ClinVar aggregate classification (germline): Likely benign. Review status: criteria provided, multiple submitters, no conflicts (2 of 4 stars). 3 submissions from 3 submitters: Likely benign (2). 1 of the submissions does not count toward it. Last evaluated 2023-08-16.

Conditions:
CUX2-related disorder. Also called: CUX2-related condition.

Allele frequency attached by ClinVar (database versions not stated): gnomAD 0.00006 and 0.00004; gnomAD exomes 0.00007 and 0.00011; 1000 Genomes Project 30x 0.00016; ExAC 0.00016; 1000 Genomes Project 0.00020; ESP Exome Variant Server 0.00025; TOPMed 0.00005.
gnomAD v4.1: 108 of 1,611,490 alleles (0.0067%); highest among the groups gnomAD compares: Middle Eastern, 0.3%; 1 homozygote.

Submissions (3):

Blueprint Genetics
Classification: Likely benign. Last evaluated: 2023-08-16. Review status: criteria provided, single submitter. Criteria: ACMG Guidelines, 2015. Collection method: clinical testing. Allele origin: germline.

CeGaT Center for Human Genetics Tuebingen
Classification: Likely benign. Last evaluated: 2023-01-01. Review status: criteria provided, single submitter. Criteria: CeGaT Center For Human Genetics Tuebingen Variant Classification Criteria Version 2. Collection method: clinical testing. Allele origin: germline. Affected: yes. Observed: 2 variant alleles.
Comment: CUX2: BP4, BP7

PreventionGenetics, part of Exact Sciences
Classification: Likely benign for CUX2-related condition. Last evaluated: 2019-03-25. Review status: no assertion criteria provided. Collection method: clinical testing. Allele origin: germline. Not counted in ClinVar's aggregate classification.
Comment: This variant is classified as likely benign based on ACMG/AMP sequence variant interpretation guidelines (Richards et al. 2015 PMID: 25741868, with internal and published modifications).

NM_015267.4(CUX2):c.402G>A (p.Ser134=)

Gene: CUX2 (cut like homeobox 2; plus strand). Cytogenetic location: 12q24.11.
Variant type: single nucleotide variant.
Coding change: c.402G>A on transcript NM_015267.4 (MANE Select); coding-DNA position 402, G replaced by A.
Protein change: p.Ser134=; no amino-acid change (serine 134 retained).
Molecular consequence: synonymous variant.
Genome position (GRCh38, 1-based): chr12:111,291,518, G>A. VCF-style: chr12-111291518-G-A. GRCh37 (hg19) VCF-style: chr12-111729322-G-A.
Other names: c.216G>A, p.Ser72= (NM_001370598.1); c.402G>A (NM_015267.3).
Identifiers: ClinVar variation 1701209 (VCV001701209.33), dbSNP rs376308961, ClinGen allele CA6788341.